The following is an entry in ClinVar:

NM_016333.4(SRRM2):c.3637A>G (p.Arg1213Gly)

Gene: SRRM2 (serine/arginine repetitive matrix 2; plus strand). Cytogenetic location: 16p13.3.
Variant type: single nucleotide variant.
Coding change: c.3637A>G on transcript NM_016333.4 (MANE Select); coding-DNA position 3637, A replaced by G.
Protein change: p.Arg1213Gly; replaces arginine 1213 with glycine.
Molecular consequence: missense variant.
Genome position (GRCh38, 1-based): chr16:2,764,165, A>G. VCF-style: chr16-2764165-A-G. GRCh37 (hg19) VCF-style: chr16-2814166-A-G.
Other names: short protein forms R1213G.
Identifiers: ClinVar variation 3801608 (VCV003801608.2).

ClinVar aggregate classification (germline): Uncertain significance. Review status: criteria provided, multiple submitters, no conflicts (2 of 4 stars). 2 submissions from 2 submitters: Uncertain significance (2). Last evaluated 2025-05-28.

Conditions:
Inborn genetic diseases. Identifiers: MedGen C0950123, MeSH D030342.

gnomAD v4.1: 8 of 1,614,104 alleles (0.0005%); highest among the groups gnomAD compares: East Asian, 0.0022%; no homozygotes.

Submissions (2):

Labcorp Genetics (formerly Invitae), Labcorp
Classification: Uncertain significance. Last evaluated: 2025-05-28. Review status: criteria provided, single submitter. Criteria: Invitae Variant Classification Sherloc (09022015). Collection method: clinical testing. Allele origin: germline.
Comment: This sequence change replaces arginine, which is basic and polar, with glycine, which is neutral and non-polar, at codon 1213 of the SRRM2 protein (p.Arg1213Gly). This variant is present in population databases (no rsID available, gnomAD 0.01%). This variant has not been reported in the literature in individuals affected with SRRM2-related conditions. ClinVar contains an entry for this variant (Variation ID: 3801608). Experimental studies and prediction algorithms are not available or were not evaluated, and the functional significance of this variant is currently unknown. In summary, the available evidence is currently insufficient to determine the role of this variant in disease. Therefore, it has been classified as a Variant of Uncertain Significance.

Ambry Genetics
Classification: Uncertain significance for Inborn genetic diseases. Last evaluated: 2024-12-12. Review status: criteria provided, single submitter. Criteria: Ambry Variant Classification Scheme 2023. Collection method: clinical testing. Allele origin: germline.